The following is an entry in ClinVar:

NM_006662.3(SRCAP):c.2775C>T (p.Thr925=)

Gene: SRCAP (Snf2 related CREBBP activator protein; plus strand). Cytogenetic location: 16p11.2.
Variant type: single nucleotide variant.
Coding change: c.2775C>T on transcript NM_006662.3 (MANE Select); coding-DNA position 2775, C replaced by T.
Protein change: p.Thr925=; no amino-acid change (threonine 925 retained).
Molecular consequence: synonymous variant.
Genome position (GRCh38, 1-based): chr16:30,716,437, C>T. VCF-style: chr16-30716437-C-T. GRCh37 (hg19) VCF-style: chr16-30727758-C-T.
Identifiers: ClinVar variation 2646394 (VCV002646394.28), dbSNP rs564356034, ClinGen allele CA8011302.

ClinVar aggregate classification (germline): Likely benign. Review status: criteria provided, multiple submitters, no conflicts (2 of 4 stars). 3 submissions from 3 submitters: Likely benign (3). Last evaluated 2025-05-01.

Allele frequency attached by ClinVar (database versions not stated): gnomAD exomes 0.00004; gnomAD 0.00006; TOPMed 0.00002; ExAC 0.00012; 1000 Genomes Project 30x 0.00016; 1000 Genomes Project 0.00020.
gnomAD v4.1: 66 of 1,614,172 alleles (0.0041%); highest among the groups gnomAD compares: South Asian, 0.051%; 1 homozygote.

Submissions (3):

Labcorp Genetics (formerly Invitae), Labcorp
Classification: Likely benign. Last evaluated: 2025-05-01. Review status: criteria provided, single submitter. Criteria: Invitae Variant Classification Sherloc (09022015). Collection method: clinical testing. Allele origin: germline.

Blueprint Genetics
Classification: Likely benign. Last evaluated: 2023-05-12. Review status: criteria provided, single submitter. Criteria: ACMG Guidelines, 2015. Collection method: clinical testing. Allele origin: germline.

CeGaT Center for Human Genetics Tuebingen
Classification: Likely benign. Last evaluated: 2022-06-01. Review status: criteria provided, single submitter. Criteria: CeGaT Center For Human Genetics Tuebingen Variant Classification Criteria Version 2. Collection method: clinical testing. Allele origin: germline. Affected: yes. Observed: 1 variant allele.
Comment: SRCAP: BP4, BP7